The following is an entry in ClinVar:

NM_001253697.2(ERBIN):c.3494C>T (p.Ser1165Leu)

Gene: ERBIN (erbb2 interacting protein; plus strand). Cytogenetic location: 5q12.3.
Variant type: single nucleotide variant.
Coding change: c.3494C>T on transcript NM_001253697.2 (MANE Select); coding-DNA position 3494, C replaced by T.
Protein change: p.Ser1165Leu; replaces serine 1165 with leucine.
Molecular consequence: missense variant.
Genome position (GRCh38, 1-based): chr5:66,054,812, C>T. VCF-style: chr5-66054812-C-T. GRCh37 (hg19) VCF-style: chr5-65350640-C-T.
Other names: c.3494C>T, p.Ser1165Leu (NM_001006600.3, NM_001253698.2, NM_001253699.2 and 1 more transcripts); c.3482C>T, p.Ser1161Leu (NM_001253701.2); short protein forms S1161L, S1165L.
Identifiers: ClinVar variation 3700921 (VCV003700921.2).

ClinVar aggregate classification (germline): Uncertain significance (1 of 4 stars; one submission).

gnomAD v4.1: 2 of 1,613,970 alleles (0.00012%); highest among the groups gnomAD compares: Non-Finnish European, 0.00017%; no homozygotes.

Submission:

Labcorp Genetics (formerly Invitae), Labcorp
Classification: Uncertain significance. Last evaluated: 2024-04-20. Review status: criteria provided, single submitter. Criteria: Invitae Variant Classification Sherloc (09022015). Collection method: clinical testing. Allele origin: germline.
Comment: This sequence change replaces serine, which is neutral and polar, with leucine, which is neutral and non-polar, at codon 1165 of the ERBIN protein (p.Ser1165Leu). This variant is not present in population databases (gnomAD no frequency). This variant has not been reported in the literature in individuals affected with ERBIN-related conditions. An algorithm developed to predict the effect of missense changes on protein structure and function (PolyPhen-2) suggests that this variant is likely to be tolerated. In summary, the available evidence is currently insufficient to determine the role of this variant in disease. Therefore, it has been classified as a Variant of Uncertain Significance.